The following is an entry in ClinVar:

NM_024700.4(SNIP1):c.724G>A (p.Val242Ile)

Genes: SNIP1 (Smad nuclear interacting protein 1; minus strand), LOC126805704 (BRD4-independent group 4 enhancer GRCh37_chr1:38005292-38006491; plus strand). Cytogenetic location: 1p34.3.
Variant type: single nucleotide variant.
Coding change: c.724G>A on transcript NM_024700.4 (MANE Select); coding-DNA position 724, G replaced by A.
Protein change: p.Val242Ile; replaces valine 242 with isoleucine.
Molecular consequence: missense variant.
Genome position (GRCh38, 1-based): chr1:37,540,359, C>T on the plus strand (G>A on the coding strand, the complement: SNIP1 is on the minus strand). VCF-style: chr1-37540359-C-T. GRCh37 (hg19) VCF-style: chr1-38005960-C-T.
Other names: short protein forms V242I.
Identifiers: ClinVar variation 2161112 (VCV002161112.4), dbSNP rs766523394, ClinGen allele CA771278.

ClinVar aggregate classification (germline): Uncertain significance (1 of 4 stars; one submission).

Allele frequency attached by ClinVar (database versions not stated): gnomAD exomes below 0.00001; ExAC 0.00001; gnomAD 0.00001; TOPMed 0.00001.
gnomAD v4.1: 3 of 1,614,042 alleles (0.00019%); highest among the groups gnomAD compares: African/African-American, 0.004%; no homozygotes.

Submission:

Labcorp Genetics (formerly Invitae), Labcorp
Classification: Uncertain significance. Last evaluated: 2022-06-11. Review status: criteria provided, single submitter. Criteria: Invitae Variant Classification Sherloc (09022015). Collection method: clinical testing. Allele origin: germline.
Comment: In summary, the available evidence is currently insufficient to determine the role of this variant in disease. Therefore, it has been classified as a Variant of Uncertain Significance. Algorithms developed to predict the effect of missense changes on protein structure and function (SIFT, PolyPhen-2, Align-GVGD) all suggest that this variant is likely to be disruptive. This variant has not been reported in the literature in individuals affected with SNIP1-related conditions. This variant is present in population databases (rs766523394, gnomAD 0.007%). This sequence change replaces valine, which is neutral and non-polar, with isoleucine, which is neutral and non-polar, at codon 242 of the SNIP1 protein (p.Val242Ile).